The following is an entry in ClinVar:

ClinVar aggregate classification (germline): Uncertain significance (1 of 4 stars; one submission).

Allele frequency attached by ClinVar (database versions not stated): gnomAD exomes below 0.00001.
gnomAD v4.1: 2 of 1,520,902 alleles (0.00013%); highest among the groups gnomAD compares: Non-Finnish European, 0.00018%; no homozygotes.

Submission:

Labcorp Genetics (formerly Invitae), Labcorp
Classification: Uncertain significance. Last evaluated: 2022-12-04. Review status: criteria provided, single submitter. Criteria: Invitae Variant Classification Sherloc (09022015). Collection method: clinical testing. Allele origin: germline.
Comment: In summary, the available evidence is currently insufficient to determine the role of this variant in disease. Therefore, it has been classified as a Variant of Uncertain Significance. Algorithms developed to predict the effect of missense changes on protein structure and function (SIFT, PolyPhen-2, Align-GVGD) all suggest that this variant is likely to be tolerated. This variant has not been reported in the literature in individuals affected with NLRP1-related conditions. This variant is not present in population databases (gnomAD no frequency). This sequence change replaces isoleucine, which is neutral and non-polar, with methionine, which is neutral and non-polar, at codon 1037 of the NLRP1 protein (p.Ile1037Met).

NM_033004.4(NLRP1):c.3111C>G (p.Ile1037Met)

Gene: NLRP1 (NLR family pyrin domain containing 1; minus strand). Cytogenetic location: 17p13.2.
Variant type: single nucleotide variant.
Coding change: c.3111C>G on transcript NM_033004.4 (MANE Select); coding-DNA position 3111, C replaced by G.
Protein change: p.Ile1037Met; replaces isoleucine 1037 with methionine.
Molecular consequence: missense variant.
Genome position (GRCh38, 1-based): chr17:5,533,326, G>C on the plus strand (C>G on the coding strand, the complement: NLRP1 is on the minus strand). VCF-style: chr17-5533326-G-C. GRCh37 (hg19) VCF-style: chr17-5436646-G-C.
Other names: c.3111C>G, p.Ile1037Met (NM_001033053.3, NM_014922.5); c.3021C>G, p.Ile1007Met (NM_033006.4, NM_033007.4); short protein forms I1037M, I1007M.
Identifiers: ClinVar variation 2818633 (VCV002818633.3), dbSNP rs2507807695, ClinGen allele CA397391851.